The following is an entry in ClinVar:

NM_024757.5(EHMT1):c.1299C>T (p.Thr433=)

Gene: EHMT1 (euchromatic histone lysine methyltransferase 1; plus strand). Cytogenetic location: 9q34.3.
Variant type: single nucleotide variant.
Coding change: c.1299C>T on transcript NM_024757.5 (MANE Select); coding-DNA position 1299, C replaced by T.
Protein change: p.Thr433=; no amino-acid change (threonine 433 retained).
Molecular consequence: synonymous variant.
Genome position (GRCh38, 1-based): chr9:137,754,221, C>T. VCF-style: chr9-137754221-C-T. GRCh37 (hg19) VCF-style: chr9-140648673-C-T.
Other names: c.1299C>T, p.Thr433= (NM_001145527.2, NM_001354611.2); c.1206C>T, p.Thr402= (NM_001354259.2, NM_001354612.2); c.1278C>T, p.Thr426= (NM_001354263.2).
Identifiers: ClinVar variation 1574757 (VCV001574757.9), dbSNP rs374367377, ClinGen allele CA5374570.
Genomic context (GRCh38, chr9:137,754,221, plus strand): 5'-GGTTCTCCAGAGTTCGGAATCCAGCATTAAGAAGAAATTTCTCAAGAGGAAAGGAAAGAC[C>T]GACAGTCCCTGGATCAAGCCAGCCAGGAAAAGGAGGCGGAGAAGTAGAAAGAAGCCCAGC-3'
Protein context (NP_079033.4, residues 423-443): KKKFLKRKGK[Thr433=]DSPWIKPARK

ClinVar aggregate classification (germline): Likely benign. Review status: criteria provided, multiple submitters, no conflicts (2 of 4 stars). 2 submissions from 2 submitters: Likely benign (2). Last evaluated 2026-07-01.

Conditions:
Kleefstra syndrome 1 (KLEFS1). Identifiers: Orphanet 261494, MedGen C0795833, MONDO:0027407, OMIM 610253.

Allele frequency attached by ClinVar (database versions not stated): TOPMed 0.00002; ESP Exome Variant Server 0.00008.
gnomAD v4.1: 12 of 1,613,880 alleles (0.00074%); highest among the groups gnomAD compares: African/African-American, 0.0053%; no homozygotes.

Submissions (2):

CeGaT Center for Human Genetics Tuebingen
Classification: Likely benign. Last evaluated: 2026-07-01. Review status: criteria provided, single submitter. Criteria: CeGaT Center For Human Genetics Tuebingen Variant Classification Criteria Version 2. Collection method: clinical testing. Allele origin: germline. Affected: yes. Observed: 1 variant allele.
Comment: EHMT1: BP4, BP7

Labcorp Genetics (formerly Invitae), Labcorp
Classification: Likely benign for Kleefstra syndrome 1. Last evaluated: 2025-09-02. Review status: criteria provided, single submitter. Criteria: Invitae Variant Classification Sherloc (09022015). Collection method: clinical testing. Allele origin: germline.